The following is an entry in ClinVar:

ClinVar aggregate classification (germline): Likely benign. Review status: criteria provided, single submitter (1 of 4 stars). 2 submissions from 2 submitters: Likely benign (1). 1 of the submissions does not count toward it. Last evaluated 2025-09-27.

Conditions:
Glycogen storage disease, type VI (GSD6). Also called: Glycogen storage disease type 6, due to phosphorylation; GSD VI; Hepatic glycogen phosphorylase deficiency; Glycogen storage disease type 6; HERS DISEASE; PHOSPHORYLASE DEFICIENCY GLYCOGEN-STORAGE DISEASE OF LIVER. Identifiers: Orphanet 369, MedGen C0017925, MONDO:0009294, OMIM 232700.
PYGL-related disorder. Also called: PYGL-related condition.

Allele frequency attached by ClinVar (database versions not stated): gnomAD 0.00004; gnomAD exomes 0.00005; ExAC 0.00012; TOPMed 0.00014; 1000 Genomes Project 30x 0.00016; 1000 Genomes Project 0.00020.
gnomAD v4.1: 104 of 1,613,000 alleles (0.0064%); highest among the groups gnomAD compares: Admixed American, 0.062%; no homozygotes.

Submissions (2):

Labcorp Genetics (formerly Invitae), Labcorp
Classification: Likely benign for Glycogen storage disease, type VI. Last evaluated: 2025-09-27. Review status: criteria provided, single submitter. Criteria: Invitae Variant Classification Sherloc (09022015). Collection method: clinical testing. Allele origin: germline.

PreventionGenetics, part of Exact Sciences
Classification: Likely benign for PYGL-related condition. Last evaluated: 2019-04-02. Review status: no assertion criteria provided. Collection method: clinical testing. Allele origin: germline. Not counted in ClinVar's aggregate classification.
Comment: This variant is classified as likely benign based on ACMG/AMP sequence variant interpretation guidelines (Richards et al. 2015 PMID: 25741868, with internal and published modifications).

NM_002863.5(PYGL):c.393A>G (p.Gly131=)

Gene: PYGL (glycogen phosphorylase L; minus strand). Cytogenetic location: 14q22.1.
Variant type: single nucleotide variant.
Coding change: c.393A>G on transcript NM_002863.5 (MANE Select); coding-DNA position 393, A replaced by G.
Protein change: p.Gly131=; no amino-acid change (glycine 131 retained).
Molecular consequence: synonymous variant.
Genome position (GRCh38, 1-based): chr14:50,935,138, T>C on the plus strand (A>G on the coding strand, the complement: PYGL is on the minus strand). VCF-style: chr14-50935138-T-C. GRCh37 (hg19) VCF-style: chr14-51401856-T-C.
Other names: c.291A>G, p.Gly97= (NM_001163940.2); c.393A>G (NM_002863.4).
Identifiers: ClinVar variation 2046541 (VCV002046541.6), dbSNP rs201633863, ClinGen allele CA7183824.